The following is an entry in ClinVar:

ClinVar aggregate classification (germline): Uncertain significance (1 of 4 stars; one submission).

Conditions:
Familial cancer of breast. Also called: Hereditary breast cancer; BREAST CANCER, FAMILIAL; hereditary breast carcinoma. Identifiers: Orphanet 227535, MedGen C0346153, MONDO:0016419, OMIM 114480. Disease mechanism: loss of function.

Submission:

Labcorp Genetics (formerly Invitae), Labcorp
Classification: Uncertain significance for Familial cancer of breast. Last evaluated: 2024-12-04. Review status: criteria provided, single submitter. Criteria: Invitae Variant Classification Sherloc (09022015). Collection method: clinical testing. Allele origin: germline.
Comment: This sequence change replaces serine, which is neutral and polar, with threonine, which is neutral and polar, at codon 220 of the PALB2 protein (p.Ser220Thr). This variant is not present in population databases (gnomAD no frequency). This variant has not been reported in the literature in individuals affected with PALB2-related conditions. ClinVar contains an entry for this variant (Variation ID: 1379241). An algorithm developed to predict the effect of missense changes on protein structure and function (PolyPhen-2) suggests that this variant is likely to be tolerated. In summary, the available evidence is currently insufficient to determine the role of this variant in disease. Therefore, it has been classified as a Variant of Uncertain Significance.

NM_024675.4(PALB2):c.659G>C (p.Ser220Thr)

Gene: PALB2 (partner and localizer of BRCA2; minus strand). Cytogenetic location: 16p12.2.
Variant type: single nucleotide variant.
Coding change: c.659G>C on transcript NM_024675.4 (MANE Select); coding-DNA position 659, G replaced by C.
Protein change: p.Ser220Thr; replaces serine 220 with threonine.
Molecular consequence: missense variant.
Genome position (GRCh38, 1-based): chr16:23,635,887, C>G on the plus strand (G>C on the coding strand, the complement: PALB2 is on the minus strand). VCF-style: chr16-23635887-C-G. GRCh37 (hg19) VCF-style: chr16-23647208-C-G.
Other names: short protein forms S220T.
Identifiers: ClinVar variation 1379241 (VCV001379241.7), dbSNP rs2142438106, ClinGen allele CA395136468.
Genomic context (GRCh38, chr16:23,635,887, plus strand): 5'-GGTCTTCTTAGGAATGTATCAACACCTTTTTCTGGTTGGGCAGTTGGTGGAATTAATACA[C>G]TGTCTTCATTAATTTCTGTAACTGGTTCTGGAGAATCTGGAAGTTCAGATTTAAGACTTA-3'
Protein context (NP_078951.2, residues 210-230): PEPVTEINED[Ser220Thr]VLIPPTAQPE